The following is an entry in ClinVar:

ClinVar aggregate classification (germline): not provided (0 of 4 stars; one submission).

Conditions:
Gestational diabetes mellitus uncontrolled. Identifiers: MedGen C3532257.

Submission:

Institute of Molecular and Cell Biology, University of Tartu
No classification provided. Condition: Gestational diabetes mellitus uncontrolled. Review status: no classification provided. Collection method: case-control. Allele origin: unknown. Affected: yes. Study: Kasak2014.
Comment: The study aimed to determine the contribution of copy number variants in the genetic etiology of normal and complicated pregnancies. The samples represented (i) maternal blood DNA drawn from healthy pregnant women during 1st or 2nd trimester and (ii) maternal and paternal blood DNA drawn at term pregnancy cases representing normal and complicated gestations (severe preeclampsia, PE; gestational diabetes, GD; small-for-gestational age newborn, SGA; large-for-gestational age newborn, LGA). We performed CNV calling based on genome-wide genotyping dataset (Illumina HumanOmniExpress-24-v1 BeadChip) by applying three algorithms, QuantiSNP, GADA (Genome Alteration Detection Algorithm) and CNstream in parallel. The acquired CNV calls were merged with HD-CNV (Hotspot Detector for Copy Number Variants) program and only the CNVs predicted by at least two programs, were considered in subsequent analysis.

Literature cited by the submitters: PubMed 25666259.

NC_000011.10:g.18927673_18935143del

Gene: MRGPRX1 (MAS related GPR family member X1; minus strand). Cytogenetic location: 11p15.1.
Variant type: Deletion.
Genome position: GRCh38: chr11:18,927,673-18,935,143. GRCh37 (hg19): chr11:18,949,220-18,956,690.
Identifiers: ClinVar variation 157197 (VCV000157197.2), ClinGen allele CA212291.